The following is an entry in ClinVar:

NM_000038.6(APC):c.92C>G (p.Ser31Cys)

Gene: APC (APC regulator of Wnt signaling pathway; plus strand). Cytogenetic location: 5q22.2.
Variant type: single nucleotide variant.
Coding change: c.92C>G on transcript NM_000038.6 (MANE Select); coding-DNA position 92, C replaced by G.
Protein change: p.Ser31Cys; replaces serine 31 with cysteine.
Molecular consequence: missense variant. On other transcripts: 5 prime UTR variant (1), intron variant (8).
Genome position (GRCh38, 1-based): chr5:112,754,982, C>G. VCF-style: chr5-112754982-C-G. GRCh37 (hg19) VCF-style: chr5-112090679-C-G.
Other names: c.92C>G, p.Ser31Cys (NM_001127510.3, NM_001354895.2, NM_001354896.2 and 2 more transcripts); c.-944C>G (NM_001354906.2); c.166-11344C>G (NM_001354897.2, NM_001354902.2, NM_001127511.3); c.61-11344C>G (NM_001354898.2, NM_001354904.2); c.-42-11344C>G (NM_001354900.2, NM_001354901.2, NM_001354905.2); short protein forms S31C.
Identifiers: ClinVar variation 823153 (VCV000823153.5), dbSNP rs1270741856, ClinGen allele CA16021543.

ClinVar aggregate classification (germline): Uncertain significance. Review status: criteria provided, multiple submitters, no conflicts (2 of 4 stars). 2 submissions from 2 submitters: Uncertain significance (2). Last evaluated 2022-06-16.

Conditions:
Hereditary cancer-predisposing syndrome. Also called: Tumor predisposition; Hereditary Cancer Syndrome; Neoplastic Syndromes, Hereditary; Hereditary neoplastic syndrome. Identifiers: Orphanet 140162, MedGen C0027672, MeSH D009386, MONDO:0015356.

Submissions (2):

GeneDx
Classification: Uncertain significance. Last evaluated: 2022-06-16. Review status: criteria provided, single submitter. Criteria: GeneDx Variant Classification Process June 2021. Collection method: clinical testing. Allele origin: germline. Affected: yes.
Comment: Not observed at significant frequency in large population cohorts (gnomAD); In silico analysis supports that this missense variant has a deleterious effect on protein structure/function; Has not been previously published as pathogenic or benign to our knowledge; This variant is associated with the following publications: (PMID: 18199528)

Ambry Genetics
Classification: Uncertain significance for Hereditary cancer-predisposing syndrome. Last evaluated: 2018-11-16. Review status: criteria provided, single submitter. Criteria: Ambry Variant Classification Scheme 2023. Collection method: clinical testing. Allele origin: germline.
Comment: The p.S31C variant (also known as c.92C>G), located in coding exon 1 of the APC gene, results from a C to G substitution at nucleotide position 92. The serine at codon 31 is replaced by cysteine, an amino acid with dissimilar properties. This amino acid position is highly conserved in available vertebrate species. In addition, in silico predictors for this gene do not accurately predict pathogenicity. Since supporting evidence is limited at this time, the clinical significance of this alteration remains unclear.